The following is an entry in ClinVar:

NM_058216.3(RAD51C):c.1099A>C (p.Lys367Gln)

Gene: RAD51C (RAD51 paralog C; plus strand). Cytogenetic location: 17q22.
Variant type: single nucleotide variant.
Coding change: c.1099A>C on transcript NM_058216.3 (MANE Select); coding-DNA position 1099, A replaced by C.
Protein change: p.Lys367Gln; replaces lysine 367 with glutamine.
Molecular consequence: missense variant. On other transcripts: non-coding transcript variant (1).
Genome position (GRCh38, 1-based): chr17:58,734,190, A>C. VCF-style: chr17-58734190-A-C. GRCh37 (hg19) VCF-style: chr17-56811551-A-C.
Other names: short protein forms K367Q.
Identifiers: ClinVar variation 822162 (VCV000822162.13), dbSNP rs1598540332, ClinGen allele CA400366475.
Genomic context (GRCh38, chr17:58,734,190, plus strand): 5'-AGAGATACTGTTGTTACTTCTGCATGTTCATTGCAAACAGAAGGTTCCTTGAGCACCCGG[A>C]AACGGTCACGAGACCCAGAGGAAGAATTATAACCCAGAAACAAATCTCAAAGTGTACAAA-3'
Protein context (NP_478123.1, residues 357-376): LQTEGSLSTR[Lys367Gln]RSRDPEEEL

ClinVar aggregate classification (germline): Uncertain significance. Review status: criteria provided, multiple submitters, no conflicts (2 of 4 stars). 3 submissions from 3 submitters: Uncertain significance (3). Last evaluated 2024-08-09.

Conditions:
Fanconi anemia complementation group O. Also called: RAD51C-Related Fanconi Anemia. Identifiers: Orphanet 84, MedGen C3150653, MONDO:0013248, OMIM 613390.
Hereditary cancer-predisposing syndrome. Also called: Hereditary Cancer Syndrome; Neoplastic Syndromes, Hereditary; Hereditary neoplastic syndrome; Tumor predisposition. Identifiers: Orphanet 140162, MedGen C0027672, MeSH D009386, MONDO:0015356.

Submissions (3):

Ambry Genetics
Classification: Uncertain significance for Hereditary cancer-predisposing syndrome. Last evaluated: 2024-08-09. Review status: criteria provided, single submitter. Criteria: Ambry Variant Classification Scheme 2023. Collection method: clinical testing. Allele origin: germline.
Comment: The p.K367Q variant (also known as c.1099A>C), located in coding exon 9 of the RAD51C gene, results from an A to C substitution at nucleotide position 1099. The lysine at codon 367 is replaced by glutamine, an amino acid with similar properties. This amino acid position is highly conserved in available vertebrate species. In addition, this alteration is predicted to be tolerated by in silico analysis. Since supporting evidence is limited at this time, the clinical significance of this alteration remains unclear.

Labcorp Genetics (formerly Invitae), Labcorp
Classification: Uncertain significance for Fanconi anemia complementation group O. Last evaluated: 2021-10-27. Review status: criteria provided, single submitter. Criteria: Invitae Variant Classification Sherloc (09022015). Collection method: clinical testing. Allele origin: germline.
Comment: Algorithms developed to predict the effect of missense changes on protein structure and function are either unavailable or do not agree on the potential impact of this missense change (SIFT: "Deleterious"; PolyPhen-2: "Possibly Damaging"; Align-GVGD: "Class C0"). ClinVar contains an entry for this variant (Variation ID: 822162). This variant has not been reported in the literature in individuals affected with RAD51C-related conditions. This variant is not present in population databases (gnomAD no frequency). This sequence change replaces lysine, a(n) basic and polar amino acid, with glutamine, a(n) neutral and polar amino acid, at codon 367 of the RAD51C protein (p.Lys367Gln). In summary, the available evidence is currently insufficient to determine the role of this variant in disease. Therefore, it has been classified as a Variant of Uncertain Significance.

Color Diagnostics, LLC DBA Color Health
Classification: Uncertain significance for Hereditary cancer-predisposing syndrome. Last evaluated: 2018-11-05. Review status: criteria provided, single submitter. Criteria: ACMG Guidelines, 2015. Collection method: clinical testing. Allele origin: germline.